The following is an entry in ClinVar:

ClinVar aggregate classification (germline): Conflicting classifications of pathogenicity. Review status: criteria provided, conflicting classifications (1 of 4 stars). 4 submissions from 4 submitters: Uncertain significance (3); Likely benign (1). Last evaluated 2019-05-13.

Conditions:
Dilated cardiomyopathy 1G (CMD1G). Identifiers: Orphanet 154, MedGen C1858763, MONDO:0011400, OMIM 604145.
Autosomal recessive limb-girdle muscular dystrophy type 2J (LGMDR10). Also called: Limb-girdle muscular dystrophy, type 2J; MUSCULAR DYSTROPHY, LIMB-GIRDLE, AUTOSOMAL RECESSIVE 10. Identifiers: Orphanet 140922, MedGen C1837342, MONDO:0012127, OMIM 608807.
Cardiovascular phenotype. Identifiers: MedGen CN230736.

Allele frequency attached by ClinVar (database versions not stated): gnomAD 0.00001; gnomAD exomes 0.00001 and 0.00002; ExAC 0.00002; TOPMed 0.00002.
gnomAD v4.1: 22 of 1,613,596 alleles (0.0014%); highest among the groups gnomAD compares: Middle Eastern, 0.033%; no homozygotes.

Submissions (4):

Revvity Omics, Revvity
Classification: Uncertain significance. Last evaluated: 2019-05-13. Review status: criteria provided, single submitter. Criteria: ACMG Guidelines, 2015. Collection method: clinical testing. Allele origin: germline.

GeneDx
Classification: Likely benign. Last evaluated: 2018-12-21. Review status: criteria provided, single submitter. Criteria: GeneDx Variant Classification Process June 2021. Collection method: clinical testing. Allele origin: germline. Affected: yes.
Comment: This variant is associated with the following publications: (PMID: 31983221)

Ambry Genetics
Classification: Uncertain significance for Cardiovascular phenotype. Last evaluated: 2018-05-14. Review status: criteria provided, single submitter. Criteria: Ambry Variant Classification Scheme 2023. Collection method: clinical testing. Allele origin: germline.
Comment: The p.R22782C variant (also known as c.68344C>T), located in coding exon 171 of the TTN gene, results from a C to T substitution at nucleotide position 68344. The arginine at codon 22782 is replaced by cysteine, an amino acid with highly dissimilar properties. This amino acid position is highly conserved in available vertebrate species. In addition, the in silico prediction for this alteration is inconclusive. Since supporting evidence is limited at this time, the clinical significance of this alteration remains unclear.

Labcorp Genetics (formerly Invitae), Labcorp
Classification: Uncertain significance for Dilated cardiomyopathy 1G; Autosomal recessive limb-girdle muscular dystrophy type 2J. Last evaluated: 2016-10-18. Review status: criteria provided, single submitter. Criteria: Invitae Variant Classification Sherloc (09022015). Collection method: clinical testing. Allele origin: germline.

NM_001267550.2(TTN):c.95539C>T (p.Arg31847Cys)

Genes: TTN (titin; minus strand), TTN-AS1 (TTN antisense RNA 1; plus strand). Cytogenetic location: 2q31.2.
Variant type: single nucleotide variant.
Coding change: c.95539C>T on transcript NM_001267550.2 (MANE Select); coding-DNA position 95539, C replaced by T.
Protein change: p.Arg31847Cys; replaces arginine 31847 with cysteine.
Molecular consequence: missense variant.
Genome position (GRCh38, 1-based): chr2:178,545,571, G>A on the plus strand (C>T on the coding strand, the complement: TTN is on the minus strand). VCF-style: chr2-178545571-G-A. GRCh37 (hg19) VCF-style: chr2-179410298-G-A.
Other names: c.90616C>T, p.Arg30206Cys (NM_001256850.1); c.68344C>T, p.Arg22782Cys (NM_003319.4); c.87835C>T, p.Arg29279Cys (NM_133378.4); c.68719C>T, p.Arg22907Cys (NM_133432.3); c.68920C>T, p.Arg22974Cys (NM_133437.4); short protein forms R31847C, R22907C, R29279C, R30206C, R22974C, R22782C.
Identifiers: ClinVar variation 405081 (VCV000405081.10), dbSNP rs774814532, ClinGen allele CA1986938.